The following is an entry in ClinVar:

ClinVar aggregate classification (germline): Pathogenic (1 of 4 stars; one submission).

Conditions:
Neurofibromatosis, type 1 (NF1). Also called: Peripheral type neurofibromatosis; NEUROFIBROMATOSIS, TYPE I, SOMATIC; Neurofibromatosis, type I; VON RECKLINGHAUSEN DISEASE. Identifiers: Orphanet 636, MedGen C0027831, MONDO:0018975, OMIM 162200. Disease mechanism: loss of function.

Submission:

Labcorp Genetics (formerly Invitae), Labcorp
Classification: Pathogenic for Neurofibromatosis, type 1. Last evaluated: 2022-05-04. Review status: criteria provided, single submitter. Criteria: Invitae Variant Classification Sherloc (09022015). Collection method: clinical testing. Allele origin: germline.
Comment: For these reasons, this variant has been classified as Pathogenic. This variant has not been reported in the literature in individuals affected with NF1-related conditions. This variant is not present in population databases (gnomAD no frequency). This sequence change creates a premature translational stop signal (p.Thr405Tyrfs*24) in the NF1 gene. It is expected to result in an absent or disrupted protein product. Loss-of-function variants in NF1 are known to be pathogenic (PMID: 10712197, 23913538).

Literature cited by the submitters: PubMed 10712197; PubMed 23913538.

NM_001042492.3(NF1):c.1212dup (p.Thr405fs)

Gene: NF1 (neurofibromin 1; plus strand). Cytogenetic location: 17q11.2.
Variant type: Duplication.
Coding change: c.1212dup on transcript NM_001042492.3 (MANE Select); coding-DNA position 1212, one base duplicated (T; older notation c.1212dupT).
Protein change: p.Thr405fs; shifts the reading frame from threonine 405.
Molecular consequence: frameshift variant.
Genome position (GRCh38, 1-based): chr17:31,201,437, T duplicated. VCF-style (leftmost placement, unchanged base first): chr17-31201436-C-CT. GRCh37 (hg19) VCF-style: chr17-29528454-C-CT.
Other names: c.1212dup, p.Thr405Tyrfs (NM_000267.4); c.1212dup, p.Thr405fs (NM_001128147.3); short protein forms T405fs.
Identifiers: ClinVar variation 2133416 (VCV002133416.4), dbSNP rs2544799780, ClinGen allele CA2580092964.